The following continues an entry in ClinVar:

NM_000218.3(KCNQ1):c.535G>A (p.Gly179Ser)

Gene: KCNQ1. ClinVar aggregate classification (germline): Pathogenic. Pathogenic (12).

Submissions 9 to 16 of 16:

MGZ Medical Genetics Center
Classification: Pathogenic for Long QT syndrome 1. Last evaluated: 2021-12-10. Review status: criteria provided, single submitter. Criteria: ACMG Guidelines, 2015. Collection method: clinical testing. Allele origin: germline. Affected: yes. Observed: 1 variant allele.
Comment: ACMG criteria applied: PS4, PS3_MOD, PM1, PM2_SUP, PM5_SUP, PP1, PP3

HudsonAlpha Institute for Biotechnology
Classification: Pathogenic for Long QT syndrome 1. Last evaluated: 2019-12-19. Review status: criteria provided, single submitter. Criteria: ACMG Guidelines, 2015. Collection method: research. Allele origin: unknown. Observed: 1 variant allele. Study: AGHI_GT.

Laboratory for Molecular Medicine, Mass General Brigham Personalized Medicine
Classification: Pathogenic for Familial long QT syndrome. Last evaluated: 2019-03-15. Review status: criteria provided, single submitter. Criteria: LMM Criteria. Collection method: clinical testing. Allele origin: germline. Inheritance: Autosomal dominant inheritance. Observed: 2 variant alleles.
Comment: The p.Gly179Ser variant in KCNQ1 has been reported in the heterozygous state in at least 3 individuals with autosomal dominant long QT syndrome (LQTS), one of whom had a more severe phenotype and carried a presumed pathogenic variant in another LQTS gene (Splawski 2000, Kapplinger 2009, Fernandes 2015, Natarajan 2016). It has also been reported in the homozygous or compound heterozygous state in 4 individuals with severe autosomal recessive LQTS (AR-LQTS) and segregated with AR-LQTS in 3 affected relatives from 2 families (Westenskow 2004, Giudicessi 2013, Vyas 2016, Bdier 2017). Individuals with AR-LQTS typically had a more severe phenotype with an earlier age of onset than heterozygotes, but none were reported to have hearing loss. Relatives of these individuals who were heterozygous carriers of this variant were often clinically asymptomatic or had modestly prolonged QT interval; however 1 heterozygous carrier experienced sudden cardiac death (Westenskow 2004, Giudicessi 2013, Bdier 2017), suggesting reduced penetrance and variable expressivity for the autosomal dominant form of LQTS associated with this variant. In vitro functional studies and computational prediction tools support an impact on protein function (Westenskow 2004, Huang 2018). This variant has been reported by other clinical laboratories in ClinVar (Variation ID 53063) and was absent from large population studies. In summary, this variant meets criteria to be classified as pathogenic for autosomal dominant and autosomal recessive LQTS. ACMG/AMP Criteria applied: PM3_Strong, PM2, PP1_Moderate, PP3, PS3_Supporting, PS4_Supporting.

Institute of Medical Genetics and Genomics, Sir Ganga Ram Hospital
Classification: Pathogenic for Long QT syndrome, LQT1 subtype. Last evaluated: 2014-01-01. Review status: criteria provided, single submitter. Criteria: Vyas et al. (Am J Med Genet A. 2016). Collection method: research. Allele origin: germline. Affected: yes. Observed: 1 variant allele. Study: Life Threatening Long QT Syndromes.

PreventionGenetics, part of Exact Sciences
Classification: Pathogenic for KCNQ1-related condition. Last evaluated: 2024-02-29. Review status: no assertion criteria provided. Collection method: clinical testing. Allele origin: germline. Not counted in ClinVar's aggregate classification.
Comment: The KCNQ1 c.535G>A variant is predicted to result in the amino acid substitution p.Gly179Ser. This variant has been reported in the heterozygous, compound heterozygous, and homozygous states in individuals and families with long QT syndrome, although heterozygous carriers have been described as asymptomatic (see, for example, Splawski et al. 2000. PubMed ID: 10973849; Westenskow et al. 2004. PubMed ID: 15051636; Al-Hassnan et al. 2017. PubMed ID: 28438721; Table S1, Westphal et al. 2020. PubMed ID: 32383558; Table S1, Schwartz et al. 2021. PubMed ID: 34505893). In vitro functional studies suggest this variant impacts protein function (Westenskow et al. 2004. PubMed ID: 15051636; Huang et al. 2018. PubMed ID: 29532034). This variant has not been reported in a large population database, indicating it is rare. This variant is interpreted as pathogenic.

Clinical Laboratory Sciences Program (CLSP), King Saud bin Abdulaziz University for Health Sciences (KSAU-HS)
Classification: Pathogenic for Long QT syndrome 1. Last evaluated: 2023-04-01. Review status: no assertion criteria provided. Collection method: clinical testing. Allele origin: germline. Affected: yes. Not counted in ClinVar's aggregate classification.

CSER _CC_NCGL, University of Washington
Classification: Likely benign for Long QT syndrome. Last evaluated: 2014-06-01. Review status: no assertion criteria provided. Collection method: research. Allele origin: germline. Inheritance: Autosomal dominant inheritance. Study: ESP 6500 variant annotation. Not counted in ClinVar's aggregate classification.
Comment: Variants classified for the Actionable exomic incidental findings in 6503 participants: challenges of variant classification manuscript

Cardiovascular Biomedical Research Unit, Royal Brompton & Harefield NHS Foundation Trust
No classification provided. Condition: Familial long QT syndrome. Review status: no classification provided. Collection method: literature only. Allele origin: germline. Not counted in ClinVar's aggregate classification.
Comment: This variant has been reported as associated with Long QT syndrome in the following publications (PMID:10973849;PMID:15051636;PMID:19716085). This is a literature report, and does not necessarily reflect the clinical interpretation of the Imperial College / Royal Brompton Cardiovascular Genetics laboratory.

Literature cited by the submitters: PubMed 10973849 (cited by 6 submitters); PubMed 15051636 (cited by 6 submitters); PubMed 23392653 (cited by 5 submitters); PubMed 27041150 (cited by 5 submitters); PubMed 27831900 (cited by 5 submitters); PubMed 28944242 (cited by 5 submitters); PubMed 29532034 (cited by 5 submitters); PubMed 19716085 (cited by 4 submitters); PubMed 25637381 (cited by Ambry Genetics); PubMed 25845942 (cited by 3 submitters); PubMed 25935074 (cited by Ambry Genetics and Laboratory for Molecular Medicine, Mass General Brigham Personalized Medicine); PubMed 28438721 (cited by 3 submitters); PubMed 29021305 (cited by Ambry Genetics); PubMed 26318259 (cited by All of Us Research Program, National Institutes of Health); PubMed 26669661 (cited by All of Us Research Program, National Institutes of Health); PubMed 27485560 (cited by All of Us Research Program, National Institutes of Health); PubMed 28606196 (cited by All of Us Research Program, National Institutes of Health and Color Diagnostics, LLC DBA Color Health); PubMed 29033053 (cited by All of Us Research Program, National Institutes of Health); PubMed 29684900 (cited by All of Us Research Program, National Institutes of Health and Color Diagnostics, LLC DBA Color Health); PubMed 32893267 (cited by Color Diagnostics, LLC DBA Color Health); PubMed 38489124 (cited by Color Diagnostics, LLC DBA Color Health); PubMed 22581653 (cited by Cardiovascular Biomedical Research Unit, Royal Brompton & Harefield NHS Foundation Trust).